The following is an entry in ClinVar:

ClinVar aggregate classification (germline): Uncertain significance (1 of 4 stars; one submission).

Conditions:
VPS13B-related disorder. Also called: VPS13B-related condition.

Submission:

PreventionGenetics, part of Exact Sciences
Classification: Uncertain significance for VPS13B-related condition. Last evaluated: 2026-07-16. Review status: criteria provided, single submitter. Criteria: ACMG Guidelines, 2015. Collection method: clinical testing. Allele origin: germline.
Comment: The VPS13B c.*507581T>G variant is located in the 3' untranslated region. To our knowledge, this variant has not been reported in the literature or in a large population database (gnomAD), indicating this variant is rare. At this time, the clinical significance of this variant is uncertain due to the absence of conclusive functional and genetic evidence.

NC_000008.11:g.100383247T>G

Gene: VPS13B (vacuolar protein sorting 13 homolog B; plus strand). Cytogenetic location: 8q22.2.
Variant type: single nucleotide variant.
Genome position: GRCh38 VCF-style: chr8-100383247-T-G. GRCh37 (hg19) VCF-style: chr8-101395475-T-G.
Identifiers: ClinVar variation 4995980 (VCV004995980.1).